The following is an entry in ClinVar:

ClinVar aggregate classification (germline): Pathogenic (1 of 4 stars; one submission).

Conditions:
Congenital muscular dystrophy due to integrin alpha-7 deficiency. Also called: Congenital muscular dystrophy with integrin alpha-7 deficiency; Muscular dystrophy, congenital, due to ITGA7 deficiency; MYOPATHY, CONGENITAL, DUE TO INTEGRIN ALPHA-7 DEFICIENCY. Identifiers: Orphanet 34520, MedGen C2750786, MONDO:0013177, OMIM 613204.

Submission:

Labcorp Genetics (formerly Invitae), Labcorp
Classification: Pathogenic for Congenital muscular dystrophy due to integrin alpha-7 deficiency. Last evaluated: 2025-03-13. Review status: criteria provided, single submitter. Criteria: Invitae Variant Classification Sherloc (09022015). Collection method: clinical testing. Allele origin: germline.
Comment: This sequence change creates a premature translational stop signal (p.Asn289Thrfs*27) in the ITGA7 gene. It is expected to result in an absent or disrupted protein product. Loss-of-function variants in ITGA7 are known to be pathogenic (PMID: 9590299). This variant is not present in population databases (gnomAD no frequency). This variant has not been reported in the literature in individuals affected with ITGA7-related conditions. For these reasons, this variant has been classified as Pathogenic.

Literature cited by the submitters: PubMed 9590299.

NM_002206.3(ITGA7):c.866_869del (p.Asn289fs)

Gene: ITGA7 (integrin subunit alpha 7; minus strand). Cytogenetic location: 12q13.2.
Variant type: Deletion.
Coding change: c.866_869del on transcript NM_002206.3 (MANE Select); coding-DNA positions 866 to 869, 4 bases deleted (ACCA; older notation c.866_869delACCA).
Protein change: p.Asn289fs; shifts the reading frame from asparagine 289.
Molecular consequence: frameshift variant. On other transcripts: 5 prime UTR variant (1).
Genome position (GRCh38, 1-based): chr12:55,698,839-55,698,842, TGGT deleted on the plus strand (ACCA on the coding strand, the reverse complement: ITGA7 is on the minus strand); deleting any 4 consecutive bases within chr12:55,698,839-55,698,845 gives the same sequence; the c. name uses the placement nearest the transcript's 3' end. VCF-style (leftmost placement, unchanged base first): chr12-55698838-GTGGT-G. GRCh37 (hg19) VCF-style: chr12-56092622-GTGGT-G.
Other names: c.878_881del, p.Asn293fs (NM_001144996.2, NM_001414029.1, NM_001414030.1); c.587_590del, p.Asn196fs (NM_001144997.2); c.539_542del, p.Asn180fs (NM_001367993.1); c.-427_-424del (NM_001367994.1); c.866_869del, p.Asn289fs (NM_001374465.1, NM_001414031.1, NM_001414034.1); c.998_1001del, p.Asn333fs (NM_001410977.1); c.746_749del, p.Asn249fs (NM_001414032.1); c.683_686del, p.Asn228fs (NM_001414033.1); and 1 more; short protein forms N176fs, N180fs, N249fs, N196fs, N228fs, N289fs, N293fs, N333fs.
Identifiers: ClinVar variation 4714719 (VCV004714719.1).
Genomic context (GRCh38, chr12:55,698,838, plus strand): 5'-CATAACCTCGGGCACCAGGCGACTGGCGCTGTCCTTGCGCAGGATGACCACAGCACCCTT[GTGGT>G]TGGCGCGGGGGGCTCCAGCCACAAAGCTCAGCTCTTCTGCACGCACCAGACCTTTCCCCG-3'